The following is an entry in ClinVar:

NM_000152.5(GAA):c.1A>T (p.Met1Leu)

Gene: GAA (alpha glucosidase; plus strand). Cytogenetic location: 17q25.3.
Variant type: single nucleotide variant.
Coding change: c.1A>T on transcript NM_000152.5 (MANE Select); coding-DNA position 1, A replaced by T.
Protein change: p.Met1Leu; changes the start codon (methionine 1).
Molecular consequence: missense variant, initiator codon variant.
Genome position (GRCh38, 1-based): chr17:80,104,587, A>T. VCF-style: chr17-80104587-A-T. GRCh37 (hg19) VCF-style: chr17-78078386-A-T.
Other names: c.1A>T, p.Met1Leu (NM_001079803.3, NM_001079804.3); short protein forms M1L.
Identifiers: ClinVar variation 984798 (VCV000984798.11), dbSNP rs786204467, ClinGen allele CA401359799.

ClinVar aggregate classification (germline): Likely pathogenic. Review status: reviewed by expert panel (3 of 4 stars). 3 submissions from 3 submitters: Likely pathogenic (1). 2 of the submissions do not count toward it. Last evaluated 2024-09-17.

Conditions:
Glycogen storage disease, type II (IOPD). Also called: Glycogen storage disease type 2; Acid maltase deficiency disease; Aglucosidase alfa; Deficiency of alpha-glucosidase; Deficiency of lysosomal alpha-glucosidase; Glucosidase acid-1,4-alpha deficiency. Identifiers: Orphanet 365, MedGen C0017921, MONDO:0009290, OMIM 232300.

Submissions (3):

ClinGen Lysosomal Storage Disorder Variant Curation Expert Panel
Classification: Likely pathogenic for Glycogen storage disease, type II. Last evaluated: 2024-09-17. Review status: reviewed by expert panel. Criteria: clingen_lsd_acmg_specifications_v2-1. Collection method: curation. Allele origin: germline. Inheritance: Autosomal recessive inheritance.
Comment: The NM_000152.5:c.1A>T (p.Met1?) variant in GAA may cause a truncated or absent protein by altering the start codon of the coding sequence. The next in-frame methionine is at position 122; if used, the gene product would be missing the signal sequence (PMID 22252923). When expressed in HEK293T cells, a very low level of an approximately 85 kD protein was seen on Western blot, suggesting the use of a downstream ATG in this in vitro system but there was no detectable GAA activity in the cells (PMID 22644586). There is also evidence that this variant may result in skipping of exon 2 in about 40-50% of transcripts when compared to wild type (PMID: 31301153). Based on the specifications of the ClinGen LD VCEP, PVS1_Strong was applied. The variant is absent in gnomAD v2.1.1 (PM2_Supporting). This patient is compound heterozygous, phase unconfirmed, for the variant and another variant in GAA that has been classified as pathogenic by the ClinGen LD VCEP, c.-32-13T>G (ClinVar Variation ID: 4027) (PMID 27711114, 30022036) (PP4, PM3_Supporting). Of note, additional initiator codon variants, including c.1A>G, c.2T>C, and c.3G>A, have been reported in patients with Pompe disease. In summary, this variant meets the criteria to be classified as likely pathogenic for Pompe disease. GAA-specific ACMG/AMP criteria applied, as specified by the ClinGen Lysosomal Diseases Variant Curation Expert Panel (Specifications Version 2.0): PVS1_Strong, PP4, PM2_Supporting, PM3_Supporting. (Classification approved by the ClinGen Lysosomal Diseases Variant Curation Expert Panel on September 17, 2024)

Genomenon, Inc
Classification: Likely pathogenic for Glycogen storage disease, type II. Last evaluated: 2026-07-01. Review status: criteria provided, single submitter. Criteria: Genomenon Sequence Variant Interpretation Standards - Updated. Collection method: curation. Allele origin: germline. Affected: yes. Not counted in ClinVar's aggregate classification.
Comment: GAA p.Met1? (c.1A>T) is a variant that disrupts the initiation codon leading to an altered or absent protein product. This variant has been observed in at least one proband with a GAA-related disorder in the compound heterozygous and/or homozygous state (PMID:27711114;21614430). At least one functional study has demonstrated a substantial alteration in protein function relative to the wild-type (PMID:22644586). At least one splicing study has demonstrated that this variant results in aberrant splicing (PMID:31301153). It is absent or not present at a significant frequency in gnomAD. In conclusion, we classify GAA p.Met1? (c.1A>T) as a likely pathogenic variant.

Labcorp Genetics (formerly Invitae), Labcorp
Classification: Pathogenic for Glycogen storage disease, type II. Last evaluated: 2022-07-26. Review status: criteria provided, single submitter. Criteria: Invitae Variant Classification Sherloc (09022015). Collection method: clinical testing. Allele origin: germline. Not counted in ClinVar's aggregate classification.
Comment: This sequence change affects the initiator methionine of the GAA mRNA. The next in-frame methionine is located at codon 122. This variant is not present in population databases (gnomAD no frequency). For these reasons, this variant has been classified as Pathogenic. Experimental studies have shown that disruption of the initiator codon affects GAA function (PMID: 22644586, 31301153). Algorithms developed to predict the effect of variants on protein structure and function are not available or were not evaluated for this variant. ClinVar contains an entry for this variant (Variation ID: 984798). Disruption of the initiator codon has been observed in individual(s) with Pompe disease (PMID: 18425781, 22252923, 29124014, 29422078, 31086307).

Literature cited by the submitters: PubMed 27711114 (cited by Genomenon, Inc); PubMed 21614430 (cited by Genomenon, Inc); PubMed 22644586 (cited by Genomenon, Inc and Labcorp Genetics (formerly Invitae), Labcorp); PubMed 31301153 (cited by Genomenon, Inc and Labcorp Genetics (formerly Invitae), Labcorp); PubMed 18425781 (cited by Labcorp Genetics (formerly Invitae), Labcorp); PubMed 22252923 (cited by Labcorp Genetics (formerly Invitae), Labcorp); PubMed 29124014 (cited by Labcorp Genetics (formerly Invitae), Labcorp); PubMed 29422078 (cited by Labcorp Genetics (formerly Invitae), Labcorp); PubMed 31086307 (cited by Labcorp Genetics (formerly Invitae), Labcorp).